The following is an entry in ClinVar:

ClinVar aggregate classification (germline): Uncertain significance. Review status: criteria provided, multiple submitters, no conflicts (2 of 4 stars). 2 submissions from 2 submitters: Uncertain significance (2). Last evaluated 2023-07-27.

Allele frequency attached by ClinVar (database versions not stated): gnomAD exomes 0.00021 and 0.00009; ExAC 0.00025; TOPMed below 0.00001; 1000 Genomes Project 30x 0.00031; 1000 Genomes Project 0.00040; gnomAD below 0.00001 and 0.00005.
gnomAD v4.1: 136 of 1,613,958 alleles (0.0084%); highest among the groups gnomAD compares: South Asian, 0.14%; 2 homozygotes.

Submissions (2):

Women's Health and Genetics/Laboratory Corporation of America, LabCorp
Classification: Uncertain significance. Last evaluated: 2023-07-27. Review status: criteria provided, single submitter. Criteria: LabCorp Variant Classification Summary - May 2015. Collection method: clinical testing. Allele origin: germline.
Comment: Variant summary: DOCK8 c.295G>A (p.Glu99Lys) results in a conservative amino acid change located in the N-terminal domain (IPR021816) of the encoded protein sequence. Four of five in-silico tools predict a benign effect of the variant on protein function. The variant allele was found at a frequency of 0.00021 in 251366 control chromosomes, exclusively at a frequency of 0.0017 within the South Asian subpopulation in the gnomAD database (i.e., 53 heterozygotes and 0 homozygotes). The observed variant frequency within South Asian control individuals in the gnomAD database is approximately 4.8 fold of the estimated maximal expected allele frequency for a pathogenic variant in DOCK8 causing Severe Combined Immunodeficiency phenotype (0.00035), suggesting that the variant may be a benign polymorphism found primarily in populations of South Asian origin. However, c.295G>A has been reported in the literature in 2 homozygous siblings affected with autosomal recessive intellectual disability, and the variant was shown to segregate with disease (e.g., Riazuddin_2017). This report does not provide unequivocal conclusions about association of the variant with Severe Combined Immunodeficiency. To our knowledge, no experimental evidence demonstrating an impact on protein function has been reported. The following publication was ascertained in the context of this evaluation (PMID: 27457812). One submitter has reported clinical-significance assessments for this variant to ClinVar after 2014 and has classified the variant as uncertain significance. Based on the evidence outlined above, the variant was classified as uncertain significance.

Labcorp Genetics (formerly Invitae), Labcorp
Classification: Uncertain significance for Combined immunodeficiency due to DOCK8 deficiency. Last evaluated: 2022-02-05. Review status: criteria provided, single submitter. Criteria: Invitae Variant Classification Sherloc (09022015). Collection method: clinical testing. Allele origin: germline.
Comment: This sequence change replaces glutamic acid, which is acidic and polar, with lysine, which is basic and polar, at codon 99 of the DOCK8 protein (p.Glu99Lys). This variant is present in population databases (rs547012088, gnomAD 0.2%). This variant has not been reported in the literature in individuals affected with DOCK8-related conditions. ClinVar contains an entry for this variant (Variation ID: 652068). Algorithms developed to predict the effect of missense changes on protein structure and function are either unavailable or do not agree on the potential impact of this missense change (SIFT: "Tolerated"; PolyPhen-2: "Probably Damaging"; Align-GVGD: "Class C0"). In summary, the available evidence is currently insufficient to determine the role of this variant in disease. Therefore, it has been classified as a Variant of Uncertain Significance.

Literature cited by the submitters: PubMed 27457812 (cited by Women's Health and Genetics/Laboratory Corporation of America, LabCorp).

NM_203447.4(DOCK8):c.295G>A (p.Glu99Lys)

Genes: DOCK8 (dedicator of cytokinesis 8; plus strand), LOC126860552 (BRD4-independent group 4 enhancer GRCh37_chr9:285795-286994; plus strand). Cytogenetic location: 9p24.3.
Variant type: single nucleotide variant.
Coding change: c.295G>A on transcript NM_203447.4 (MANE Select); coding-DNA position 295, G replaced by A.
Protein change: p.Glu99Lys; replaces glutamic acid 99 with lysine.
Molecular consequence: missense variant.
Genome position (GRCh38, 1-based): chr9:286,599, G>A. VCF-style: chr9-286599-G-A. GRCh37 (hg19) VCF-style: chr9-286599-G-A.
Other names: c.91G>A, p.Glu31Lys (NM_001190458.2, NM_001193536.2); short protein forms E31K, E99K.
Identifiers: ClinVar variation 652068 (VCV000652068.9), dbSNP rs547012088, ClinGen allele CA4957155.